The following is an entry in ClinVar:

ClinVar aggregate classification (germline): Benign/Likely benign. Review status: criteria provided, multiple submitters, no conflicts (2 of 4 stars). 3 submissions from 3 submitters: Benign (1); Likely benign (2). Last evaluated 2025-09-28.

Conditions:
Hereditary cancer-predisposing syndrome. Also called: Tumor predisposition; Neoplastic Syndromes, Hereditary; Hereditary Cancer Syndrome; Hereditary neoplastic syndrome. Identifiers: Orphanet 140162, MedGen C0027672, MeSH D009386, MONDO:0015356.
POLD1-related polyposis and colorectal cancer syndrome (CRCS10). Also called: Colorectal cancer 10; COLORECTAL CANCER, SUSCEPTIBILITY TO, ON CHROMOSOME 19q; Colorectal cancer, susceptibility to, 10. Identifiers: Orphanet 220460, MedGen C2675481, MONDO:0012953, OMIM 612591.

Submissions (3):

Ambry Genetics
Classification: Likely benign for Hereditary cancer-predisposing syndrome. Last evaluated: 2025-09-28. Review status: criteria provided, single submitter. Criteria: Ambry Variant Classification Scheme 2023. Collection method: clinical testing. Allele origin: germline.

Labcorp Genetics (formerly Invitae), Labcorp
Classification: Likely benign for POLD1-related polyposis and colorectal cancer syndrome. Last evaluated: 2025-09-24. Review status: criteria provided, single submitter. Criteria: Invitae Variant Classification Sherloc (09022015). Collection method: clinical testing. Allele origin: germline.

Myriad Genetics, Inc.
Classification: Benign for POLD1-related polyposis and colorectal cancer syndrome. Last evaluated: 2025-02-05. Review status: criteria provided, single submitter. Criteria: Myriad Autosomal Dominant, Autosomal Recessive and X-Linked Classification Criteria (2023). Collection method: clinical testing. Allele origin: unknown.
Comment: This variant is considered benign. This variant is a silent/synonymous amino acid change and it is not expected to impact splicing.

NM_002691.4(POLD1):c.978C>T (p.Phe326=)

Gene: POLD1 (DNA polymerase delta 1, catalytic subunit; plus strand). Cytogenetic location: 19q13.33.
Variant type: single nucleotide variant.
Coding change: c.978C>T on transcript NM_002691.4 (MANE Select); coding-DNA position 978, C replaced by T.
Protein change: p.Phe326=; no amino-acid change (phenylalanine 326 retained).
Molecular consequence: synonymous variant. On other transcripts: non-coding transcript variant (1).
Genome position (GRCh38, 1-based): chr19:50,403,060, C>T. VCF-style: chr19-50403060-C-T. GRCh37 (hg19) VCF-style: chr19-50906317-C-T.
Other names: c.978C>T, p.Phe326= (NM_001256849.1, NM_001308632.1); c.978C>T (NM_002691.2).
Identifiers: ClinVar variation 3011094 (VCV003011094.5), dbSNP rs2513972687, ClinGen allele CA508182377.